The following is an entry in ClinVar:

ClinVar aggregate classification (germline): Uncertain significance (1 of 4 stars; one submission).

Conditions:
Combined immunodeficiency due to CTPS1 deficiency. Also called: Severe combined immunodeficiency due to CTPS1 deficiency; Immunodeficiency 24. Identifiers: Orphanet 420573, MedGen C4014617, MONDO:0014391, OMIM 615897.

Submission:

Labcorp Genetics (formerly Invitae), Labcorp
Classification: Uncertain significance for Combined immunodeficiency due to CTPS1 deficiency. Last evaluated: 2021-11-26. Review status: criteria provided, single submitter. Criteria: Invitae Variant Classification Sherloc (09022015). Collection method: clinical testing. Allele origin: germline.
Comment: Experimental studies and prediction algorithms are not available or were not evaluated, and the functional significance of this variant is currently unknown. This variant has not been reported in the literature in individuals affected with CTPS1-related conditions. This variant is not present in population databases (gnomAD no frequency). This variant results in the deletion of part of exon 5 (c.555_555+997del) of the CTPS1 gene. It is expected to disrupt RNA splicing. Variants that disrupt the donor or acceptor splice site typically lead to a loss of protein function (PMID: 16199547), however the current clinical and genetic evidence is not sufficient to establish whether loss-of-function variants in CTPS1 cause disease. In summary, the available evidence is currently insufficient to determine the role of this variant in disease. Therefore, it has been classified as a Variant of Uncertain Significance.

Literature cited by the submitters: PubMed 16199547.

NM_001905.4(CTPS1):c.555_555+997del

Gene: CTPS1 (CTP synthase 1; plus strand). Cytogenetic location: 1p34.2.
Variant type: Deletion.
Coding change: c.555_555+997del on transcript NM_001905.4 (MANE Select); coding-DNA position 555 through 997 bases into the intron after coding-DNA position 555, 998 bases deleted.
Molecular consequence: splice donor variant.
Genome position (GRCh38, 1-based): chr1:40,988,710-40,989,707, 998 bases deleted. GRCh37 (hg19): chr1:41,454,382-41,455,379.
Other names: c.87_87+997del (NM_001301237.2).
Identifiers: ClinVar variation 2001978 (VCV002001978.4), dbSNP rs2524267114, ClinGen allele CA2580062756.